The following is an entry in ClinVar:

ClinVar aggregate classification (germline): Likely benign (0 of 4 stars; one submission).

Conditions:
PEX3-related disorder. Also called: PEX3-related condition.

Allele frequency attached by ClinVar (database versions not stated): gnomAD exomes below 0.00001.
gnomAD v4.1: 4 of 1,613,290 alleles (0.00025%); highest among the groups gnomAD compares: Middle Eastern, 0.016%; no homozygotes.

Submission:

PreventionGenetics, part of Exact Sciences
Classification: Likely benign for PEX3-related condition. Last evaluated: 2022-12-28. Review status: no assertion criteria provided. Collection method: clinical testing. Allele origin: germline.
Comment: This variant is classified as likely benign based on ACMG/AMP sequence variant interpretation guidelines (Richards et al. 2015 PMID: 25741868, with internal and published modifications).

NM_003630.3(PEX3):c.54C>T (p.Phe18=)

Gene: PEX3 (peroxisomal biogenesis factor 3; plus strand). Cytogenetic location: 6q24.2.
Variant type: single nucleotide variant.
Coding change: c.54C>T on transcript NM_003630.3 (MANE Select); coding-DNA position 54, C replaced by T.
Protein change: p.Phe18=; no amino-acid change (phenylalanine 18 retained).
Molecular consequence: synonymous variant.
Genome position (GRCh38, 1-based): chr6:143,451,096, C>T. VCF-style: chr6-143451096-C-T. GRCh37 (hg19) VCF-style: chr6-143772233-C-T.
Identifiers: ClinVar variation 3036528 (VCV003036528.2), dbSNP rs1408332322, ClinGen allele CA452460719.
Genomic context (GRCh38, chr6:143,451,096, plus strand): 5'-CCTAAAGATGCTGAGGTCTGTATGGAATTTTCTGAAACGCCACAAAAAGAAATGCATCTT[C>T]CTGGGCACGGTCCTTGGAGGTGGGTGACAACGTGCTTGAAAGGGGGCATTGGGAGAAGGG-3'
Protein context (NP_003621.1, residues 8-28): FLKRHKKKCI[Phe18=]LGTVLGGVYI